The following is an entry in ClinVar:

ClinVar aggregate classification (germline): Uncertain significance (1 of 4 stars; one submission).

Conditions:
Cardiovascular phenotype. Identifiers: MedGen CN230736.

Submission:

Ambry Genetics
Classification: Uncertain significance for Cardiovascular phenotype. Last evaluated: 2025-02-16. Review status: criteria provided, single submitter. Criteria: Ambry Variant Classification Scheme 2023. Collection method: clinical testing. Allele origin: germline.
Comment: The p.C220W variant (also known as c.660T>G), located in coding exon 6 of the SPRED1 gene, results from a T to G substitution at nucleotide position 660. The cysteine at codon 220 is replaced by tryptophan, an amino acid with highly dissimilar properties. This amino acid position is conserved. In addition, the in silico prediction for this alteration is inconclusive. Based on the available evidence, the clinical significance of this variant remains unclear.

NM_152594.3(SPRED1):c.660T>G (p.Cys220Trp)

Gene: SPRED1 (sprouty related EVH1 domain containing 1; plus strand). Cytogenetic location: 15q14.
Variant type: single nucleotide variant.
Coding change: c.660T>G on transcript NM_152594.3 (MANE Select); coding-DNA position 660, T replaced by G.
Protein change: p.Cys220Trp; replaces cysteine 220 with tryptophan.
Molecular consequence: missense variant.
Genome position (GRCh38, 1-based): chr15:38,349,499, T>G. VCF-style: chr15-38349499-T-G. GRCh37 (hg19) VCF-style: chr15-38641700-T-G.
Other names: short protein forms C220W.
Identifiers: ClinVar variation 3800923 (VCV003800923.1).